The following is an entry in ClinVar:

NM_000057.4(BLM):c.3021G>A (p.Met1007Ile)

Gene: BLM (BLM RecQ like helicase; plus strand). Cytogenetic location: 15q26.1.
Variant type: single nucleotide variant.
Coding change: c.3021G>A on transcript NM_000057.4 (MANE Select); coding-DNA position 3021, G replaced by A.
Protein change: p.Met1007Ile; replaces methionine 1007 with isoleucine.
Molecular consequence: missense variant.
Genome position (GRCh38, 1-based): chr15:90,794,168, G>A. VCF-style: chr15-90794168-G-A. GRCh37 (hg19) VCF-style: chr15-91337398-G-A.
Other names: c.3021G>A, p.Met1007Ile (NM_001287246.2, NM_001287247.2); c.1896G>A, p.Met632Ile (NM_001287248.2); short protein forms M1007I, M632I.
Identifiers: ClinVar variation 581653 (VCV000581653.14), dbSNP rs1244649224, ClinGen allele CA393846650.

ClinVar aggregate classification (germline): Uncertain significance. Review status: criteria provided, multiple submitters, no conflicts (2 of 4 stars). 4 submissions from 4 submitters: Uncertain significance (3). 1 of the submissions does not count toward it. Last evaluated 2025-12-18.

Conditions:
Hereditary cancer-predisposing syndrome. Also called: Neoplastic Syndromes, Hereditary; Hereditary Cancer Syndrome; Tumor predisposition; Hereditary neoplastic syndrome. Identifiers: Orphanet 140162, MedGen C0027672, MeSH D009386, MONDO:0015356.
Bloom syndrome (BLM). Also called: Bloom-Torre-Machacek syndrome. Identifiers: Orphanet 125, MedGen C0005859, MONDO:0008876, OMIM 210900.

Allele frequency attached by ClinVar (database versions not stated): gnomAD exomes below 0.00001 and 0.00001; TOPMed 0.00001.

Submissions (4):

Labcorp Genetics (formerly Invitae), Labcorp
Classification: Uncertain significance for Bloom syndrome. Last evaluated: 2025-12-18. Review status: criteria provided, single submitter. Criteria: Invitae Variant Classification Sherloc (09022015). Collection method: clinical testing. Allele origin: germline.
Comment: This sequence change replaces methionine, which is neutral and non-polar, with isoleucine, which is neutral and non-polar, at codon 1007 of the BLM protein (p.Met1007Ile). This variant is present in population databases (no rsID available, gnomAD 0.002%). This variant has not been reported in the literature in individuals affected with BLM-related conditions. ClinVar contains an entry for this variant (Variation ID: 581653). An algorithm developed to predict the effect of missense changes on protein structure and function (PolyPhen-2) suggests that this variant is likely to be tolerated. RNA analysis performed to evaluate the impact of this missense change on mRNA splicing indicates it does not significantly alter splicing (internal data). In summary, the available evidence is currently insufficient to determine the role of this variant in disease. Therefore, it has been classified as a Variant of Uncertain Significance.

Women's Health and Genetics/Laboratory Corporation of America, LabCorp
Classification: Uncertain significance. Last evaluated: 2022-05-12. Review status: criteria provided, single submitter. Criteria: LabCorp Variant Classification Summary - May 2015. Collection method: clinical testing. Allele origin: germline.

Ambry Genetics
Classification: Uncertain significance for Hereditary cancer-predisposing syndrome. Last evaluated: 2021-03-03. Review status: criteria provided, single submitter. Criteria: Ambry Variant Classification Scheme 2023. Collection method: clinical testing. Allele origin: germline.
Comment: The p.M1007I variant (also known as c.3021G>A), located in coding exon 15 of the BLM gene, results from a G to A substitution at nucleotide position 3021. The methionine at codon 1007 is replaced by isoleucine, an amino acid with highly similar properties. This amino acid position is well conserved in available vertebrate species. In addition, the in silico prediction for this alteration is inconclusive. Since supporting evidence is limited at this time, the clinical significance of this alteration remains unclear.

Natera, Inc.
Classification: Uncertain significance for Bloom syndrome. Last evaluated: 2025-05-08. Review status: no assertion criteria provided. Collection method: clinical testing. Allele origin: germline. Not counted in ClinVar's aggregate classification.